The following is an entry in ClinVar:

NM_004560.4(ROR2):c.935G>A (p.Arg312His)

Gene: ROR2 (ROR family WNT receptor 2; minus strand). Cytogenetic location: 9q22.31.
Variant type: single nucleotide variant.
Coding change: c.935G>A on transcript NM_004560.4 (MANE Select); coding-DNA position 935, G replaced by A.
Protein change: p.Arg312His; replaces arginine 312 with histidine.
Molecular consequence: missense variant.
Genome position (GRCh38, 1-based): chr9:91,733,124, C>T on the plus strand (G>A on the coding strand, the complement: ROR2 is on the minus strand). VCF-style: chr9-91733124-C-T. GRCh37 (hg19) VCF-style: chr9-94495406-C-T.
Other names: c.935G>A, p.Arg312His (NM_001318204.2); short protein forms R312H.
Identifiers: ClinVar variation 367510 (VCV000367510.15), dbSNP rs188376581, ClinGen allele CA5120858.
Genomic context (GRCh38, chr9:91,733,124, plus strand): 5'-TCAAGGGCCCTACACTCCCTGCGCCCCCCGGTCCCGCCCCGGGCCCTCGGGCACTCACAG[C>T]GGCCCAGCCTCTCGGCTGGGATGCCAATGCGCATGCAGTTGGCAGCGTCGGGGCTCTCAG-3'
Protein context (NP_004551.2, residues 302-322): RIGIPAERLG[Arg312His]YHQCYNGSGM

ClinVar aggregate classification (germline): Benign/Likely benign. Review status: criteria provided, multiple submitters, no conflicts (2 of 4 stars). 5 submissions from 4 submitters: Benign (1); Likely benign (2). 2 of the submissions do not count toward it. Last evaluated 2025-01-13.

Conditions:
ROR2-related disorder. Also called: ROR2-related disorders; ROR2-related condition.
Brachydactyly type B1 (BDB1). Identifiers: Orphanet 572385, Orphanet 93383, MedGen C1862112, MONDO:0007220, OMIM 113000.
Autosomal recessive Robinow syndrome (RRS1). Also called: COSTOVERTEBRAL SEGMENTATION DEFECT WITH MESOMELIA; COVESDEM SYNDROME; ROBINOW SYNDROME, AUTOSOMAL RECESSIVE 1; ROR2-Related Robinow Syndrome. Identifiers: Orphanet 1507, Orphanet 97360, MedGen C5399974, MONDO:0009999, OMIM 268310.
Short stature. Identifiers: MedGen C0349588, HP:0004322.

Allele frequency attached by ClinVar (database versions not stated): gnomAD 0.00007 and 0.00016; ESP Exome Variant Server 0.00009; TOPMed 0.00017; gnomAD exomes 0.00032; ExAC 0.00058; 1000 Genomes Project 0.00180; 1000 Genomes Project 30x 0.00219.
gnomAD v4.1: 165 of 1,591,228 alleles (0.01%); highest among the groups gnomAD compares: East Asian, 0.28%; no homozygotes.

Submissions (5):

Labcorp Genetics (formerly Invitae), Labcorp
Classification: Likely benign. Last evaluated: 2025-01-13. Review status: criteria provided, single submitter. Criteria: Invitae Variant Classification Sherloc (09022015). Collection method: clinical testing. Allele origin: germline.

Illumina Laboratory Services, Illumina
Classification: Benign for Brachydactyly type B1. Last evaluated: 2018-01-13. Review status: criteria provided, single submitter. Criteria: ICSL Variant Classification Criteria 13 December 2019. Collection method: clinical testing. Allele origin: germline.
Comment: This variant was observed in the ICSL laboratory as part of a predisposition screen in an ostensibly healthy population. It had not been previously curated by ICSL or reported in the Human Gene Mutation Database (HGMD: prior to June 1st, 2018), and was therefore a candidate for classification through an automated scoring system. Utilizing variant allele frequency, disease prevalence and penetrance estimates, and inheritance mode, an automated score was calculated to assess if this variant is too frequent to cause the disease. Based on the score and internal cut-off values, a variant classified as benign is not then subjected to further curation. The score for this variant resulted in a classification of benign for this disease.

Illumina Laboratory Services, Illumina
Classification: Likely benign for Autosomal recessive Robinow syndrome. Last evaluated: 2018-01-13. Review status: criteria provided, single submitter. Criteria: ICSL Variant Classification Criteria 13 December 2019. Collection method: clinical testing. Allele origin: germline.
Comment: This variant was observed in the ICSL laboratory as part of a predisposition screen in an ostensibly healthy population. It had not been previously curated by ICSL or reported in the Human Gene Mutation Database (HGMD: prior to June 1st, 2018), and was therefore a candidate for classification through an automated scoring system. Utilizing variant allele frequency, disease prevalence and penetrance estimates, and inheritance mode, an automated score was calculated to assess if this variant is too frequent to cause the disease. Based on the score and internal cut-off values, a variant classified as likely benign is not then subjected to further curation. The score for this variant resulted in a classification of likely benign for this disease.

PreventionGenetics, part of Exact Sciences
Classification: Likely benign for ROR2-related condition. Last evaluated: 2023-10-01. Review status: no assertion criteria provided. Collection method: clinical testing. Allele origin: germline. Not counted in ClinVar's aggregate classification.
Comment: This variant is classified as likely benign based on ACMG/AMP sequence variant interpretation guidelines (Richards et al. 2015 PMID: 25741868, with internal and published modifications).

Beijing Key Laboratory for Genetic Research of Skeletal Deformity, Peking Union Medical College Hospital
Classification: Uncertain significance for Short stature. Last evaluated: 2021-01-31. Review status: no assertion criteria provided. Collection method: research. Allele origin: unknown. Affected: yes. Not counted in ClinVar's aggregate classification.